The following is an entry in ClinVar:

NM_000153.4(GALC):c.1736_1739del (p.Ala579fs)

Gene: GALC (galactosylceramidase; minus strand). Cytogenetic location: 14q31.3.
Variant type: Deletion.
Coding change: c.1736_1739del on transcript NM_000153.4 (MANE Select); coding-DNA positions 1736 to 1739, 4 bases deleted (CAGG; older notation c.1736_1739delCAGG).
Protein change: p.Ala579fs; shifts the reading frame from alanine 579.
Molecular consequence: frameshift variant.
Genome position (GRCh38, 1-based): chr14:87,941,490-87,941,493, CCTG deleted on the plus strand (CAGG on the coding strand, the reverse complement: GALC is on the minus strand); deleting any 4 consecutive bases within chr14:87,941,490-87,941,494 gives the same sequence; the c. name uses the placement nearest the transcript's 3' end. VCF-style (leftmost placement, unchanged base first): chr14-87941489-TCCTG-T. GRCh37 (hg19) VCF-style: chr14-88407833-TCCTG-T.
Other names: c.1667_1670del, p.Ala556fs (NM_001201401.2); c.1658_1661del, p.Ala553fs (NM_001201402.2); short protein forms A553fs, A556fs, A579fs.
Identifiers: ClinVar variation 1322976 (VCV001322976.7), dbSNP rs754668472, ClinGen allele CA7296931.

ClinVar aggregate classification (germline): Pathogenic. Review status: criteria provided, multiple submitters, no conflicts (2 of 4 stars). 2 submissions from 2 submitters: Pathogenic (2). Last evaluated 2023-06-14.

Conditions:
Galactosylceramide beta-galactosidase deficiency. Also called: Leukodystrophy, Globoid Cell; Krabbe Disease; GALACTOCEREBROSIDASE DEFICIENCY; GALC DEFICIENCY; GLOBOID CELL LEUKOENCEPHALOPATHY. Identifiers: Orphanet 487, MedGen C0023521, MONDO:0009499, OMIM 245200.

Submissions (2):

Labcorp Genetics (formerly Invitae), Labcorp
Classification: Pathogenic for Galactosylceramide beta-galactosidase deficiency. Last evaluated: 2023-06-14. Review status: criteria provided, single submitter. Criteria: Invitae Variant Classification Sherloc (09022015). Collection method: clinical testing. Allele origin: germline.
Comment: This variant is present in population databases (rs754668472, gnomAD 0.003%). This sequence change creates a premature translational stop signal (p.Ala579Glufs*3) in the GALC gene. It is expected to result in an absent or disrupted protein product. Loss-of-function variants in GALC are known to be pathogenic (PMID: 7437911, 9272171, 16607461). This variant has not been reported in the literature in individuals affected with GALC-related conditions. For these reasons, this variant has been classified as Pathogenic. ClinVar contains an entry for this variant (Variation ID: 1322976).

Revvity Omics, Revvity
Classification: Pathogenic. Last evaluated: 2019-11-21. Review status: criteria provided, single submitter. Criteria: ACMG Guidelines, 2015. Collection method: clinical testing. Allele origin: germline.

Literature cited by the submitters: PubMed 7437911 (cited by Labcorp Genetics (formerly Invitae), Labcorp); PubMed 9272171 (cited by Labcorp Genetics (formerly Invitae), Labcorp); PubMed 16607461 (cited by Labcorp Genetics (formerly Invitae), Labcorp).